The following is an entry in ClinVar:

ClinVar aggregate classification (germline): Conflicting classifications of pathogenicity. Review status: criteria provided, conflicting classifications (1 of 4 stars). 3 submissions from 3 submitters: Uncertain significance (2); Likely benign (1). Last evaluated 2024-11-18.

Conditions:
Cardiovascular phenotype. Identifiers: MedGen CN230736.
Brugada syndrome. Also called: Sudden unexpected nocturnal death syndrome; Sudden unexplained nocturnal death syndrome; Sudden Unexplained Death Syndrome; Sudden Unexplained Nocturnal Death Syndrome (SUNDS). Identifiers: Orphanet 130, MedGen C1142166, MONDO:0015263.

Allele frequency attached by ClinVar (database versions not stated): gnomAD 0.00001; gnomAD exomes 0.00001 and 0.00002; ExAC 0.00004.
gnomAD v4.1: 15 of 1,613,310 alleles (0.00093%); highest among the groups gnomAD compares: Non-Finnish European, 0.0012%; no homozygotes.

Submissions (3):

Blueprint Genetics
Classification: Likely benign. Last evaluated: 2024-11-18. Review status: criteria provided, single submitter. Criteria: ACMG Guidelines, 2015. Collection method: clinical testing. Allele origin: germline.

Labcorp Genetics (formerly Invitae), Labcorp
Classification: Uncertain significance for Brugada syndrome. Last evaluated: 2023-12-07. Review status: criteria provided, single submitter. Criteria: Invitae Variant Classification Sherloc (09022015). Collection method: clinical testing. Allele origin: germline.
Comment: This sequence change replaces glycine, which is neutral and non-polar, with serine, which is neutral and polar, at codon 203 of the SCN10A protein (p.Gly203Ser). This variant is present in population databases (rs774347834, gnomAD 0.004%). This variant has not been reported in the literature in individuals affected with SCN10A-related conditions. ClinVar contains an entry for this variant (Variation ID: 998639). Advanced modeling of protein sequence and biophysical properties (such as structural, functional, and spatial information, amino acid conservation, physicochemical variation, residue mobility, and thermodynamic stability) performed at Invitae indicates that this missense variant is not expected to disrupt SCN10A protein function with a negative predictive value of 80%. Algorithms developed to predict the effect of sequence changes on RNA splicing suggest that this variant may disrupt the consensus splice site. In summary, the available evidence is currently insufficient to determine the role of this variant in disease. Therefore, it has been classified as a Variant of Uncertain Significance.

Ambry Genetics
Classification: Uncertain significance for Cardiovascular phenotype. Last evaluated: 2023-01-23. Review status: criteria provided, single submitter. Criteria: Ambry Variant Classification Scheme 2023. Collection method: clinical testing. Allele origin: germline.
Comment: Does not currently meet published gene-disease clinical validity criteria for this gene (Smith, 2017) Based on insufficient or conflicting evidence, the clinical significance of this alteration remains unclear.

Literature cited by the submitters: PubMed 28106320 (cited by Ambry Genetics).

NM_006514.4(SCN10A):c.607G>A (p.Gly203Ser)

Gene: SCN10A (sodium voltage-gated channel alpha subunit 10; minus strand). Cytogenetic location: 3p22.2.
Variant type: single nucleotide variant.
Coding change: c.607G>A on transcript NM_006514.4 (MANE Select); coding-DNA position 607, G replaced by A.
Protein change: p.Gly203Ser; replaces glycine 203 with serine.
Molecular consequence: missense variant.
Genome position (GRCh38, 1-based): chr3:38,763,589, C>T on the plus strand (G>A on the coding strand, the complement: SCN10A is on the minus strand). VCF-style: chr3-38763589-C-T. GRCh37 (hg19) VCF-style: chr3-38805080-C-T.
Other names: c.607G>A, p.Gly203Ser (NM_001293306.2, NM_001293307.2); c.607G>A (NM_006514.2); short protein forms G203S.
Identifiers: ClinVar variation 998639 (VCV000998639.8), dbSNP rs774347834, ClinGen allele CA2321133.